The following is an entry in ClinVar:

NM_017636.4(TRPM4):c.1876C>A (p.Leu626Ile)

Gene: TRPM4 (transient receptor potential cation channel subfamily M member 4; plus strand). Cytogenetic location: 19q13.33.
Variant type: single nucleotide variant.
Coding change: c.1876C>A on transcript NM_017636.4 (MANE Select); coding-DNA position 1876, C replaced by A.
Protein change: p.Leu626Ile; replaces leucine 626 with isoleucine.
Molecular consequence: missense variant.
Genome position (GRCh38, 1-based): chr19:49,188,948, C>A. VCF-style: chr19-49188948-C-A. GRCh37 (hg19) VCF-style: chr19-49692205-C-A.
Other names: c.1876C>A, p.Leu626Ile (NM_001195227.2); c.1531C>A, p.Leu511Ile (NM_001321281.2); c.268C>A, p.Leu90Ile (NM_001321282.2); c.1354C>A, p.Leu452Ile (NM_001321283.2); c.814C>A, p.Leu272Ile (NM_001321285.2); short protein forms L626I, L90I, L272I, L452I, L511I.
Identifiers: ClinVar variation 2787916 (VCV002787916.3), dbSNP rs1489912568, ClinGen allele CA406803522.

ClinVar aggregate classification (germline): Uncertain significance (1 of 4 stars; one submission).

Conditions:
Progressive familial heart block type IB (PFHB1B). Identifiers: Orphanet 871, MedGen C1970298, MONDO:0011474, OMIM 604559.

gnomAD v4.1: 1 of 1,614,144 alleles (0.000062%); no homozygotes.

Submission:

Labcorp Genetics (formerly Invitae), Labcorp
Classification: Uncertain significance for Progressive familial heart block type IB. Last evaluated: 2023-06-24. Review status: criteria provided, single submitter. Criteria: Invitae Variant Classification Sherloc (09022015). Collection method: clinical testing. Allele origin: germline.
Comment: In summary, the available evidence is currently insufficient to determine the role of this variant in disease. Therefore, it has been classified as a Variant of Uncertain Significance. An algorithm developed to predict the effect of missense changes on protein structure and function (PolyPhen-2) suggests that this variant is likely to be disruptive. This variant has not been reported in the literature in individuals affected with TRPM4-related conditions. This variant is present in population databases (no rsID available, gnomAD no frequency). This sequence change replaces leucine, which is neutral and non-polar, with isoleucine, which is neutral and non-polar, at codon 626 of the TRPM4 protein (p.Leu626Ile).